The following is an entry in ClinVar:

NM_177438.3(DICER1):c.3270-16A>G

Gene: DICER1 (dicer 1, ribonuclease III; minus strand). Cytogenetic location: 14q32.13.
Variant type: single nucleotide variant.
Coding change: c.3270-16A>G on transcript NM_177438.3 (MANE Select); 16 bases into the intron before coding-DNA position 3270, A replaced by G.
Molecular consequence: intron variant.
Genome position (GRCh38, 1-based): chr14:95,104,142, T>C on the plus strand (A>G on the coding strand, the complement: DICER1 is on the minus strand). VCF-style: chr14-95104142-T-C. GRCh37 (hg19) VCF-style: chr14-95570479-T-C.
Other names: c.3270-16A>G (NM_001291628.2, NM_030621.4, NM_001271282.3 and 1 more transcripts).
Identifiers: ClinVar variation 1558052 (VCV001558052.11), dbSNP rs778256507, ClinGen allele CA7331064.

ClinVar aggregate classification (germline): Likely benign. Review status: criteria provided, multiple submitters, no conflicts (2 of 4 stars). 2 submissions from 2 submitters: Likely benign (2). Last evaluated 2026-04-13.

Conditions:
DICER1-related tumor predisposition. Also called: DICER1-related pleuropulmonary blastoma cancer predisposition syndrome; DICER1 syndrome. Identifiers: Orphanet 284343, MedGen C3839822, MONDO:0100216.

Allele frequency attached by ClinVar (database versions not stated): TOPMed 0.00002; gnomAD 0.00004 and 0.00003; gnomAD exomes 0.00004 and 0.00002; ExAC 0.00006.
gnomAD v4.1: 65 of 1,603,008 alleles (0.0041%); highest among the groups gnomAD compares: Non-Finnish European, 0.0053%; no homozygotes.

Submissions (2):

Myriad Genetics, Inc.
Classification: Likely benign for DICER1-related tumor predisposition. Last evaluated: 2026-04-13. Review status: criteria provided, single submitter. Criteria: Myriad Autosomal Dominant, Autosomal Recessive and X-Linked Classification Criteria (2023). Collection method: clinical testing. Allele origin: unknown.
Comment: This variant is considered likely benign. This variant is intronic and is not expected to impact mRNA splicing.

Labcorp Genetics (formerly Invitae), Labcorp
Classification: Likely benign for DICER1-related tumor predisposition. Last evaluated: 2025-12-20. Review status: criteria provided, single submitter. Criteria: Invitae Variant Classification Sherloc (09022015). Collection method: clinical testing. Allele origin: germline.